The following is an entry in ClinVar:

ClinVar aggregate classification (germline): Uncertain significance (1 of 4 stars; one submission).

Conditions:
Cardiovascular phenotype. Identifiers: MedGen CN230736.

gnomAD v4.1: 4 of 1,612,162 alleles (0.00025%); highest among the groups gnomAD compares: Non-Finnish European, 0.00025%; no homozygotes.

Submission:

Ambry Genetics
Classification: Uncertain significance for Cardiovascular phenotype. Last evaluated: 2024-05-04. Review status: criteria provided, single submitter. Criteria: Ambry Variant Classification Scheme 2023. Collection method: clinical testing. Allele origin: germline.
Comment: The p.R164L variant (also known as c.491G>T), located in coding exon 4 of the NRAS gene, results from a G to T substitution at nucleotide position 491. The arginine at codon 164 is replaced by leucine, an amino acid with dissimilar properties. This amino acid position is conserved. In addition, the in silico prediction for this alteration is inconclusive. Based on the available evidence, the clinical significance of this variant remains unclear.

NM_002524.5(NRAS):c.491G>T (p.Arg164Leu)

Gene: NRAS (NRAS proto-oncogene, GTPase; minus strand). Cytogenetic location: 1p13.2.
Variant type: single nucleotide variant.
Coding change: c.491G>T on transcript NM_002524.5 (MANE Select); coding-DNA position 491, G replaced by T.
Protein change: p.Arg164Leu; replaces arginine 164 with leucine.
Molecular consequence: missense variant.
Genome position (GRCh38, 1-based): chr1:114,708,614, C>A on the plus strand (G>T on the coding strand, the complement: NRAS is on the minus strand). VCF-style: chr1-114708614-C-A. GRCh37 (hg19) VCF-style: chr1-115251235-C-A.
Other names: short protein forms R164L.
Identifiers: ClinVar variation 3300991 (VCV003300991.1).